The following is an entry in ClinVar:

ClinVar aggregate classification (germline): Pathogenic (1 of 4 stars; one submission).

Allele frequency attached by ClinVar (database versions not stated): TOPMed below 0.00001.

Submission:

Labcorp Genetics (formerly Invitae), Labcorp
Classification: Pathogenic. Last evaluated: 2025-08-29. Review status: criteria provided, single submitter. Criteria: Invitae Variant Classification Sherloc (09022015). Collection method: clinical testing. Allele origin: germline.
Comment: This sequence change creates a premature translational stop signal (p.Ser592Thrfs*75) in the LZTR1 gene. It is expected to result in an absent or disrupted protein product. Loss-of-function variants in LZTR1 are known to be pathogenic (PMID: 24362817, 25335493, 25480913, 25795793, 29469822, 30368668, 30442762, 30442766, 30481304, 30859559). This variant is not present in population databases (gnomAD no frequency). This variant has not been reported in the literature in individuals affected with LZTR1-related conditions. ClinVar contains an entry for this variant (Variation ID: 2904752). For these reasons, this variant has been classified as Pathogenic.

Literature cited by the submitters: PubMed 24362817; PubMed 25335493; PubMed 25480913; PubMed 25795793; PubMed 29469822; PubMed 30368668; PubMed 30442762; PubMed 30442766; PubMed 30481304; PubMed 30859559.

NM_006767.4(LZTR1):c.1773_1777del (p.Ser592fs)

Gene: LZTR1 (leucine zipper like post translational regulator 1; plus strand). Cytogenetic location: 22q11.21.
Variant type: Deletion.
Coding change: c.1773_1777del on transcript NM_006767.4 (MANE Select); coding-DNA positions 1773 to 1777, 5 bases deleted (GAGCC; older notation c.1773_1777delGAGCC).
Protein change: p.Ser592fs; shifts the reading frame from serine 592.
Molecular consequence: frameshift variant.
Genome position (GRCh38, 1-based): chr22:20,994,715-20,994,719, GAGCC deleted. VCF-style (leftmost placement, unchanged base first): chr22-20994714-TGAGCC-T. GRCh37 (hg19) VCF-style: chr22-21349003-TGAGCC-T.
Other names: short protein forms S592fs.
Identifiers: ClinVar variation 2904752 (VCV002904752.3), dbSNP rs1924761308, ClinGen allele CA2396642344.